The following is an entry in ClinVar:

ClinVar aggregate classification (germline): Benign. Review status: criteria provided, multiple submitters, no conflicts (2 of 4 stars). 6 submissions from 6 submitters: Benign (6). Last evaluated 2026-02-03.

Allele frequency attached by ClinVar (database versions not stated): 1000 Genomes Project 0.02696; 1000 Genomes Project 30x 0.02701; TOPMed 0.03475; gnomAD 0.03743 and 0.03877; gnomAD exomes 0.04060; ExAC 0.10486.
gnomAD v4.1: 76,167 of 1,498,056 alleles (5.1%); highest among the groups gnomAD compares: Middle Eastern, 6.7%; 2,318 homozygotes.

Submissions (6):

Labcorp Genetics (formerly Invitae), Labcorp
Classification: Benign. Last evaluated: 2026-02-03. Review status: criteria provided, single submitter. Criteria: Invitae Variant Classification Sherloc (09022015). Collection method: clinical testing. Allele origin: germline.

Mayo Clinic Laboratories, Mayo Clinic
Classification: Benign. Last evaluated: 2020-10-20. Review status: criteria provided, single submitter. Criteria: ACMG Guidelines, 2015. Collection method: clinical testing. Allele origin: germline. Observed: 18 variant alleles.

GeneDx
Classification: Benign. Last evaluated: 2018-04-05. Review status: criteria provided, single submitter. Criteria: GeneDx Variant Classification (06012015). Collection method: clinical testing. Allele origin: germline. Affected: yes.
Comment: This variant is considered likely benign or benign based on one or more of the following criteria: it is a conservative change, it occurs at a poorly conserved position in the protein, it is predicted to be benign by multiple in silico algorithms, and/or has population frequency not consistent with disease.

Laboratory for Molecular Medicine, Mass General Brigham Personalized Medicine
Classification: Benign. Last evaluated: 2018-01-28. Review status: criteria provided, single submitter. Criteria: LMM Criteria. Collection method: clinical testing. Allele origin: germline. Observed: 26 variant alleles.
Comment: p.Arg1031His in Exon 17 of PDZD7: This variant is not expected to have clinical significance because it has also been identified in 7% (50/18610) South Asian ch romosomes and 5% (100/59384) European chromosomes by the Genome Aggregation Data base (gnomAD). rs72838683). ACMG/AMP criteria applied: BA1.

Eurofins Ntd Llc (ga)
Classification: Benign. Last evaluated: 2015-01-27. Review status: criteria provided, single submitter. Criteria: EGL Classification Definitions 2015. Collection method: clinical testing. Allele origin: germline. Observed: 2 variant alleles, 2 heterozygotes.

Breakthrough Genomics
Classification: Benign. Review status: criteria provided, single submitter. Criteria: ACMG Guidelines, 2015. Collection method: not provided. Allele origin: germline. Inheritance: Autosomal recessive inheritance. Affected: yes.

NM_001195263.2(PDZD7):c.3092G>A (p.Arg1031His)

Gene: PDZD7 (PDZ domain containing 7; minus strand). Cytogenetic location: 10q24.31.
Variant type: single nucleotide variant.
Coding change: c.3092G>A on transcript NM_001195263.2 (MANE Select); coding-DNA position 3092, G replaced by A.
Protein change: p.Arg1031His; replaces arginine 1031 with histidine.
Molecular consequence: missense variant.
Genome position (GRCh38, 1-based): chr10:101,008,477, C>T on the plus strand (G>A on the coding strand, the complement: PDZD7 is on the minus strand). VCF-style: chr10-101008477-C-T. GRCh37 (hg19) VCF-style: chr10-102768234-C-T.
Other names: short protein forms R1031H.
Identifiers: ClinVar variation 194723 (VCV000194723.19), dbSNP rs72838683, ClinGen allele CA201323.